The following is an entry in ClinVar:

NM_000540.3(RYR1):c.10504C>T (p.Arg3502Trp)

Gene: RYR1 (ryanodine receptor 1; plus strand). Cytogenetic location: 19q13.2.
Variant type: single nucleotide variant.
Coding change: c.10504C>T on transcript NM_000540.3 (MANE Select); coding-DNA position 10504, C replaced by T.
Protein change: p.Arg3502Trp; replaces arginine 3502 with tryptophan.
Molecular consequence: missense variant.
Genome position (GRCh38, 1-based): chr19:38,525,380, C>T. VCF-style: chr19-38525380-C-T. GRCh37 (hg19) VCF-style: chr19-39016020-C-T.
Other names: c.10489C>T, p.Arg3497Trp (NM_001042723.2); short protein forms R3502W, R3497W.
Identifiers: ClinVar variation 198645 (VCV000198645.29), dbSNP rs375127981, ClinGen allele CA023841.

ClinVar aggregate classification (germline): Uncertain significance. Review status: criteria provided, multiple submitters, no conflicts (2 of 4 stars). 6 submissions from 6 submitters: Uncertain significance (6). Last evaluated 2025-05-21.

Conditions:
RYR1-related disorder. Also called: RYR1-related condition; RYR1-related disorders. Identifiers: MedGen CN239331.
Malignant hyperthermia, susceptibility to, 1 (MHS1). Also called: Anesthesia related hyperthermia; Malignant hyperpyrexia; Fulminating hyperpyrexia; Pharmacogenic myopathy; RYR1-Related Malignant Hyperthermia Susceptibility; Malignant hyperthermia suceptibility 1. Identifiers: Orphanet 423, MedGen C2930980, MONDO:0007783, OMIM 145600.

Allele frequency attached by ClinVar (database versions not stated): gnomAD 0.00001; gnomAD exomes 0.00001; TOPMed 0.00001; ESP Exome Variant Server 0.00008.
gnomAD v4.1: 10 of 1,613,784 alleles (0.00062%); highest among the groups gnomAD compares: African/African-American, 0.0013%; no homozygotes.

Submissions (6):

Revvity Omics, Revvity
Classification: Uncertain significance. Last evaluated: 2025-05-21. Review status: criteria provided, single submitter. Criteria: ACMG Guidelines, 2015. Collection method: clinical testing. Allele origin: germline.

Labcorp Genetics (formerly Invitae), Labcorp
Classification: Uncertain significance for RYR1-related disorder. Last evaluated: 2025-01-21. Review status: criteria provided, single submitter. Criteria: Invitae Variant Classification Sherloc (09022015). Collection method: clinical testing. Allele origin: germline.
Comment: This sequence change replaces arginine, which is basic and polar, with tryptophan, which is neutral and slightly polar, at codon 3502 of the RYR1 protein (p.Arg3502Trp). This variant is present in population databases (rs375127981, gnomAD 0.01%). This variant has not been reported in the literature in individuals affected with RYR1-related conditions. ClinVar contains an entry for this variant (Variation ID: 198645). Invitae Evidence Modeling of protein sequence and biophysical properties (such as structural, functional, and spatial information, amino acid conservation, physicochemical variation, residue mobility, and thermodynamic stability) indicates that this missense variant is not expected to disrupt RYR1 protein function with a negative predictive value of 80%. In summary, the available evidence is currently insufficient to determine the role of this variant in disease. Therefore, it has been classified as a Variant of Uncertain Significance.

CeGaT Center for Human Genetics Tuebingen
Classification: Uncertain significance. Last evaluated: 2024-06-01. Review status: criteria provided, single submitter. Criteria: CeGaT Center For Human Genetics Tuebingen Variant Classification Criteria Version 2. Collection method: clinical testing. Allele origin: germline. Affected: yes. Observed: 1 variant allele.
Comment: RYR1: PM2, PP3

All of Us Research Program, National Institutes of Health
Classification: Uncertain significance for Malignant hyperthermia, susceptibility to, 1. Last evaluated: 2023-03-28. Review status: criteria provided, single submitter. Criteria: ACMG Guidelines, 2015. Collection method: clinical testing. Allele origin: germline. Inheritance: Autosomal dominant inheritance. Observed: 1 variant allele, 1 heterozygote.
Comment: This study involves interpretation of variants in research participants for the purpose of population health screening. Participant phenotype was not available at the time of variant classification. Additional details can be found in publication PMID: 35346344, PMCID: PMC8962531

Blueprint Genetics
Classification: Uncertain significance. Last evaluated: 2021-11-04. Review status: criteria provided, single submitter. Criteria: ACMG Guidelines, 2015. Collection method: clinical testing. Allele origin: germline.

Eurofins Ntd Llc (ga)
Classification: Uncertain significance. Last evaluated: 2014-11-21. Review status: criteria provided, single submitter. Criteria: EGL Classification Definitions 2015. Collection method: clinical testing. Allele origin: germline. Observed: 1 variant allele, 1 heterozygote.